The following is an entry in ClinVar:

ClinVar aggregate classification (germline): Pathogenic/Likely pathogenic. Review status: criteria provided, multiple submitters, no conflicts (2 of 4 stars). 3 submissions from 3 submitters: Pathogenic (1); Likely pathogenic (2). Last evaluated 2026-02-25.

Conditions:
CR2-related disorder. Also called: CR2-related condition; CR2-related disorders.
Immunodeficiency, common variable, 7. Identifiers: Orphanet 1572, Orphanet 696894, MedGen C3542922, MONDO:0013862, OMIM 614699.

Allele frequency attached by ClinVar (database versions not stated): gnomAD 0.00002; gnomAD exomes 0.00007 and 0.00008; TOPMed 0.00007; ExAC 0.00009.
gnomAD v4.1: 121 of 1,601,620 alleles (0.0076%); highest among the groups gnomAD compares: Non-Finnish European, 0.0096%; no homozygotes.

Submissions (3):

GeneDx
Classification: Likely pathogenic. Last evaluated: 2026-02-25. Review status: criteria provided, single submitter. Criteria: GeneDx Variant Classification Process June 2021. Collection method: clinical testing. Allele origin: germline.
Comment: Nonsense variant predicted to result in protein truncation or nonsense mediated decay in a gene for which loss of function is a known mechanism of disease; This variant is associated with the following publications: (PMID: 34426522, 26325596)

Labcorp Genetics (formerly Invitae), Labcorp
Classification: Pathogenic for Immunodeficiency, common variable, 7. Last evaluated: 2025-09-02. Review status: criteria provided, single submitter. Criteria: Invitae Variant Classification Sherloc (09022015). Collection method: clinical testing. Allele origin: germline.
Comment: This sequence change creates a premature translational stop signal (p.Arg142*) in the CR2 gene. It is expected to result in an absent or disrupted protein product. Loss-of-function variants in CR2 are known to be pathogenic (PMID: 26325596, 28499783). This variant is present in population databases (rs201017642, gnomAD 0.01%). This premature translational stop signal has been observed in individual(s) with hypogammaglobulinemia (PMID: 26325596). ClinVar contains an entry for this variant (Variation ID: 540314). Algorithms developed to predict the effect of sequence changes on RNA splicing suggest that this variant may disrupt the consensus splice site. For these reasons, this variant has been classified as Pathogenic.

Blueprint Genetics
Classification: Likely pathogenic for CR2-related disorders. Last evaluated: 2023-06-13. Review status: criteria provided, single submitter. Criteria: ACMG Guidelines, 2015. Collection method: clinical testing. Allele origin: germline. Affected: yes. Observed: 5 variant alleles.

Literature cited by the submitters: PubMed 26325596 (cited by Labcorp Genetics (formerly Invitae), Labcorp); PubMed 28499783 (cited by Labcorp Genetics (formerly Invitae), Labcorp).

NM_001006658.3(CR2):c.424C>T (p.Arg142Ter)

Gene: CR2 (complement C3d receptor 2; plus strand). Cytogenetic location: 1q32.2.
Variant type: single nucleotide variant.
Coding change: c.424C>T on transcript NM_001006658.3 (MANE Select); coding-DNA position 424, C replaced by T.
Protein change: p.Arg142Ter; replaces arginine 142 with a stop codon.
Molecular consequence: nonsense.
Genome position (GRCh38, 1-based): chr1:207,466,891, C>T. VCF-style: chr1-207466891-C-T. GRCh37 (hg19) VCF-style: chr1-207640236-C-T.
Other names: c.424C>T, p.Arg142Ter (NM_001877.5); short protein forms R142*.
Identifiers: ClinVar variation 540314 (VCV000540314.11), dbSNP rs201017642, ClinGen allele CA1368411.